The following is an entry in ClinVar:

NM_018194.6(HHAT):c.664T>C (p.Phe222Leu)

Gene: HHAT (hedgehog acyltransferase; plus strand). Cytogenetic location: 1q32.2.
Variant type: single nucleotide variant.
Coding change: c.664T>C on transcript NM_018194.6 (MANE Select); coding-DNA position 664, T replaced by C.
Protein change: p.Phe222Leu; replaces phenylalanine 222 with leucine.
Molecular consequence: missense variant. On other transcripts: intron variant (1).
Genome position (GRCh38, 1-based): chr1:210,404,659, T>C. VCF-style: chr1-210404659-T-C. GRCh37 (hg19) VCF-style: chr1-210578003-T-C.
Other names: c.664T>C, p.Phe222Leu (NM_001122834.4, NM_001170580.3); c.667T>C, p.Phe223Leu (NM_001170587.3); c.469T>C, p.Phe157Leu (NM_001170588.3); c.274-13495T>C (NM_001170564.3); short protein forms F157L, F222L, F223L.
Identifiers: ClinVar variation 2078834 (VCV002078834.1), dbSNP rs147320835, ClinGen allele CA1379184.
Genomic context (GRCh38, chr1:210,404,659, plus strand): 5'-CCCTGGATGCTGGCCTATGTCTTTTATTATCCAGTCTTACACAATGGGCCCATCCTCAGC[T>C]TCTCGGAGTTCATCAAACAGGTAGAGCCCGCTGGGGATGGGATTGGGATTCTATAGCTTA-3'
Protein context (NP_060664.2, residues 212-232): PVLHNGPILS[Phe222Leu]SEFIKQMQQQ

ClinVar aggregate classification (germline): Uncertain significance (1 of 4 stars; one submission).

Allele frequency attached by ClinVar (database versions not stated): gnomAD exomes 0.00005; ExAC 0.00010; gnomAD 0.00014; TOPMed 0.00014; ESP Exome Variant Server 0.00015.
gnomAD v4.1: 98 of 1,613,812 alleles (0.0061%); highest among the groups gnomAD compares: Admixed American, 0.022%; no homozygotes.

Submission:

Labcorp Genetics (formerly Invitae), Labcorp
Classification: Uncertain significance. Last evaluated: 2022-05-06. Review status: criteria provided, single submitter. Criteria: Invitae Variant Classification Sherloc (09022015). Collection method: clinical testing. Allele origin: germline.
Comment: This sequence change replaces phenylalanine, which is neutral and non-polar, with leucine, which is neutral and non-polar, at codon 222 of the HHAT protein (p.Phe222Leu). This variant is present in population databases (rs147320835, gnomAD 0.03%). This variant has not been reported in the literature in individuals affected with HHAT-related conditions. Algorithms developed to predict the effect of missense changes on protein structure and function are either unavailable or do not agree on the potential impact of this missense change (SIFT: "Deleterious"; PolyPhen-2: "Benign"; Align-GVGD: "Class C0"). In summary, the available evidence is currently insufficient to determine the role of this variant in disease. Therefore, it has been classified as a Variant of Uncertain Significance.